The following is an entry in ClinVar:

ClinVar aggregate classification (germline): Uncertain significance (1 of 4 stars; one submission).

Conditions:
PALS1-related disorder. Also called: PALS1-related condition.

gnomAD v4.1: 20 of 1,610,592 alleles (0.0012%); highest among the groups gnomAD compares: Middle Eastern, 0.016%; no homozygotes.

Submission:

PreventionGenetics, part of Exact Sciences
Classification: Uncertain significance for PALS1-related condition. Last evaluated: 2023-07-18. Review status: criteria provided, single submitter. Criteria: ACMG Guidelines, 2015. Collection method: clinical testing. Allele origin: germline.
Comment: The PALS1 c.1191C>G variant is predicted to result in the amino acid substitution p.Asp397Glu. To our knowledge, this variant has not been reported in the literature. This variant is reported in 0.00088% of alleles in individuals of European (Non-Finnish) descent in gnomAD. At this time, the clinical significance of this variant is uncertain due to the absence of conclusive functional and genetic evidence.

NM_022474.4(PALS1):c.1191C>G (p.Asp397Glu)

Genes: GPHN (gephyrin; plus strand), PALS1 (protein associated with LIN7 1, MAGUK p55 family member; plus strand). Cytogenetic location: 14q23.3.
Variant type: single nucleotide variant.
Coding change: c.1191C>G on transcript NM_022474.4 (MANE Select); coding-DNA position 1191, C replaced by G.
Protein change: p.Asp397Glu; replaces aspartic acid 397 with glutamic acid.
Molecular consequence: missense variant.
Genome position (GRCh38, 1-based): chr14:67,312,676, C>G. VCF-style: chr14-67312676-C-G. GRCh37 (hg19) VCF-style: chr14-67779393-C-G.
Other names: c.1089C>G, p.Asp363Glu (NM_001256550.2); short protein forms D363E, D397E.
Identifiers: ClinVar variation 2635900 (VCV002635900.1), dbSNP rs761960631, ClinGen allele CA262752045.